The following is an entry in ClinVar:

NM_004991.4(MECOM):c.1626G>T (p.Leu542Phe)

Gene: MECOM (MDS1 and EVI1 complex locus; minus strand). Cytogenetic location: 3q26.2.
Variant type: single nucleotide variant.
Coding change: c.1626G>T on transcript NM_004991.4 (MANE Select); coding-DNA position 1626, G replaced by T.
Protein change: p.Leu542Phe; replaces leucine 542 with phenylalanine.
Molecular consequence: missense variant. On other transcripts: intron variant (2).
Genome position (GRCh38, 1-based): chr3:169,116,246, C>A on the plus strand (G>T on the coding strand, the complement: MECOM is on the minus strand). VCF-style: chr3-169116246-C-A. GRCh37 (hg19) VCF-style: chr3-168834034-C-A.
Other names: c.1257G>T, p.Leu419Phe (NM_001105077.4); c.1062G>T, p.Leu354Phe (NM_001105078.4, NM_001164000.2, NM_001205194.2 and 4 more transcripts); c.1065G>T, p.Leu355Phe (NM_001163999.2, NM_001366467.2, NM_001366468.2 and 1 more transcripts); c.1626G>T, p.Leu542Phe (NM_001366466.2); c.1133-479G>T (NM_001366473.2); c.569-479G>T (NM_001366474.2); short protein forms L542F, L354F, L355F, L419F.
Identifiers: ClinVar variation 4053124 (VCV004053124.1).

ClinVar aggregate classification (germline): Uncertain significance (1 of 4 stars; one submission).

Conditions:
Inborn genetic diseases. Identifiers: MedGen C0950123, MeSH D030342.

Submission:

Ambry Genetics
Classification: Uncertain significance for Inborn genetic diseases. Last evaluated: 2025-03-31. Review status: criteria provided, single submitter. Criteria: Ambry Variant Classification Scheme 2023. Collection method: clinical testing. Allele origin: germline.
Comment: The p.L542F variant (also known as c.1626G>T), located in coding exon 8 of the MECOM gene, results from a G to T substitution at nucleotide position 1626. The leucine at codon 542 is replaced by phenylalanine, an amino acid with highly similar properties. This amino acid position is conserved. In addition, this alteration is predicted to be tolerated by in silico analysis. Based on the available evidence, the clinical significance of this variant remains unclear.